The following is an entry in ClinVar:

NM_173648.4(CCDC141):c.4389G>T (p.Arg1463Ser)

Gene: CCDC141 (coiled-coil domain containing 141; minus strand). Cytogenetic location: 2q31.2.
Variant type: single nucleotide variant.
Coding change: c.4389G>T on transcript NM_173648.4 (MANE Select); coding-DNA position 4389, G replaced by T.
Protein change: p.Arg1463Ser; replaces arginine 1463 with serine.
Molecular consequence: missense variant.
Genome position (GRCh38, 1-based): chr2:178,834,377, C>A on the plus strand (G>T on the coding strand, the complement: CCDC141 is on the minus strand). VCF-style: chr2-178834377-C-A. GRCh37 (hg19) VCF-style: chr2-179699104-C-A.
Other names: short protein forms R1463S.
Identifiers: ClinVar variation 3138429 (VCV003138429.2), dbSNP rs866780379, ClinGen allele CA61006829.

ClinVar aggregate classification (germline): Uncertain significance. Review status: criteria provided, multiple submitters, no conflicts (2 of 4 stars). 2 submissions from 2 submitters: Uncertain significance (2). Last evaluated 2025-05-23.

Allele frequency attached by ClinVar (database versions not stated): gnomAD 0.00001.
gnomAD v4.1: 35 of 1,536,240 alleles (0.0023%); highest among the groups gnomAD compares: South Asian, 0.031%; no homozygotes.

Submissions (2):

Labcorp Genetics (formerly Invitae), Labcorp
Classification: Uncertain significance. Last evaluated: 2025-05-23. Review status: criteria provided, single submitter. Criteria: Invitae Variant Classification Sherloc (09022015). Collection method: clinical testing. Allele origin: germline.
Comment: This sequence change replaces arginine, which is basic and polar, with serine, which is neutral and polar, at codon 1463 of the CCDC141 protein (p.Arg1463Ser). This variant is present in population databases (no rsID available, gnomAD 0.02%). This variant has not been reported in the literature in individuals affected with CCDC141-related conditions. ClinVar contains an entry for this variant (Variation ID: 3138429). An algorithm developed to predict the effect of missense changes on protein structure and function (PolyPhen-2) suggests that this variant is likely to be tolerated. In summary, the available evidence is currently insufficient to determine the role of this variant in disease. Therefore, it has been classified as a Variant of Uncertain Significance.

Ambry Genetics
Classification: Uncertain significance. Last evaluated: 2023-11-07. Review status: criteria provided, single submitter. Criteria: Ambry Variant Classification Scheme 2023. Collection method: clinical testing. Allele origin: germline.